The following is an entry in ClinVar:

NM_001267550.2(TTN):c.36202+10G>T

Gene: TTN (titin; minus strand). Cytogenetic location: 2q31.2.
Variant type: single nucleotide variant.
Coding change: c.36202+10G>T on transcript NM_001267550.2 (MANE Select); 10 bases into the intron after coding-DNA position 36202, G replaced by T.
Molecular consequence: intron variant.
Genome position (GRCh38, 1-based): chr2:178,664,644, C>A on the plus strand (G>T on the coding strand, the complement: TTN is on the minus strand). VCF-style: chr2-178664644-C-A. GRCh37 (hg19) VCF-style: chr2-179529371-C-A.
Other names: c.13283-22327G>T (NM_003319.4); c.13859-22327G>T (NM_133437.4); c.13658-22327G>T (NM_133432.3); c.31484-1589G>T (NM_133378.4); c.34265-1589G>T (NM_001256850.1).
Identifiers: ClinVar variation 467065 (VCV000467065.14), dbSNP rs765321861, ClinGen allele CA1997629.

ClinVar aggregate classification (germline): Likely benign. Review status: criteria provided, single submitter (1 of 4 stars). 2 submissions from 2 submitters: Likely benign (1). 1 of the submissions does not count toward it. Last evaluated 2025-10-08.

Conditions:
Autosomal recessive limb-girdle muscular dystrophy type 2J (LGMDR10). Also called: Limb-girdle muscular dystrophy, type 2J; MUSCULAR DYSTROPHY, LIMB-GIRDLE, AUTOSOMAL RECESSIVE 10. Identifiers: Orphanet 140922, MedGen C1837342, MONDO:0012127, OMIM 608807.
Dilated cardiomyopathy 1G (CMD1G). Identifiers: Orphanet 154, MedGen C1858763, MONDO:0011400, OMIM 604145.
TTN-related disorder. Also called: TTN-related condition; TTN-related disease; TTN-related disorders.

Allele frequency attached by ClinVar (database versions not stated): ExAC 0.00001; gnomAD 0.00002; TOPMed 0.00006.
gnomAD v4.1: 46 of 1,611,920 alleles (0.0029%); highest among the groups gnomAD compares: Non-Finnish European, 0.0037%; no homozygotes.

Submissions (2):

Labcorp Genetics (formerly Invitae), Labcorp
Classification: Likely benign for Dilated cardiomyopathy 1G; Autosomal recessive limb-girdle muscular dystrophy type 2J. Last evaluated: 2025-10-08. Review status: criteria provided, single submitter. Criteria: Invitae Variant Classification Sherloc (09022015). Collection method: clinical testing. Allele origin: germline.

PreventionGenetics, part of Exact Sciences
Classification: Likely benign for TTN-related condition. Last evaluated: 2019-07-17. Review status: no assertion criteria provided. Collection method: clinical testing. Allele origin: germline. Not counted in ClinVar's aggregate classification.
Comment: This variant is classified as likely benign based on ACMG/AMP sequence variant interpretation guidelines (Richards et al. 2015 PMID: 25741868, with internal and published modifications).